The following is an entry in ClinVar:

ClinVar aggregate classification (germline): Pathogenic/Likely pathogenic. Review status: criteria provided, multiple submitters, no conflicts (2 of 4 stars). 11 submissions from 11 submitters: Pathogenic (5); Likely pathogenic (5). 1 of the submissions does not count toward it. Last evaluated 2025-11-17.

Conditions:
BRIP1-related disorder. Also called: BRIP1-related condition; BRIP1-related disorders. Identifiers: MedGen CN239206.
Fanconi anemia complementation group J. Also called: BRIP1-Related Fanconi Anemia. Identifiers: Orphanet 84, MedGen C1836860, MONDO:0012187, OMIM 609054.
Familial cancer of breast. Also called: hereditary breast carcinoma; BREAST CANCER, FAMILIAL; Hereditary breast cancer. Identifiers: Orphanet 227535, MedGen C0346153, MONDO:0016419, OMIM 114480. Disease mechanism: loss of function.
Hereditary cancer-predisposing syndrome. Also called: Hereditary neoplastic syndrome; Tumor predisposition; Neoplastic Syndromes, Hereditary; Hereditary Cancer Syndrome. Identifiers: Orphanet 140162, MedGen C0027672, MeSH D009386, MONDO:0015356.
Ovarian cancer. Also called: OVARIAN CANCER, SOMATIC. Identifiers: Orphanet 213500, MedGen C1140680, MONDO:0008170, OMIM 167000.

Submissions (11):

Ambry Genetics
Classification: Pathogenic for Hereditary cancer-predisposing syndrome. Last evaluated: 2025-11-17. Review status: criteria provided, single submitter. Criteria: Ambry Variant Classification Scheme 2023. Collection method: clinical testing. Allele origin: germline.
Comment: The c.1970delG pathogenic mutation, located in coding exon 13 of the BRIP1 gene, results from a deletion of one nucleotide at nucleotide position 1970, causing a translational frameshift with a predicted alternate stop codon (p.G657Vfs*31). This variant is considered to be rare based on population cohorts in the Genome Aggregation Database (gnomAD). This alteration is expected to result in loss of function by premature protein truncation or nonsense-mediated mRNA decay. As such, this alteration is interpreted as a disease-causing mutation.

Labcorp Genetics (formerly Invitae), Labcorp
Classification: Pathogenic for Familial cancer of breast; Fanconi anemia complementation group J. Last evaluated: 2025-10-01. Review status: criteria provided, single submitter. Criteria: Invitae Variant Classification Sherloc (09022015). Collection method: clinical testing. Allele origin: germline.
Comment: This sequence change creates a premature translational stop signal (p.Gly657Valfs*31) in the BRIP1 gene. It is expected to result in an absent or disrupted protein product. Loss-of-function variants in BRIP1 are known to be pathogenic (PMID: 16116423, 17033622, 21964575). This variant is present in population databases (rs760782298, gnomAD 0.002%). This variant has not been reported in the literature in individuals affected with BRIP1-related conditions. ClinVar contains an entry for this variant (Variation ID: 461039). RNA analysis performed to evaluate the impact of this premature translational stop signal on mRNA splicing indicates it does not significantly alter splicing (internal data). For these reasons, this variant has been classified as Pathogenic.

Women's Health and Genetics/Laboratory Corporation of America, LabCorp
Classification: Pathogenic for Fanconi anemia complementation group J. Last evaluated: 2025-09-30. Review status: criteria provided, single submitter. Criteria: LabCorp Variant Classification Summary - May 2015. Collection method: clinical testing. Allele origin: germline.
Comment: Variant summary: BRIP1 c.1970delG (p.Gly657ValfsX31) results in a premature termination codon, predicted to cause a truncation of the encoded protein or absence of the protein due to nonsense mediated decay, which are commonly known mechanisms for disease. The variant allele was found at a frequency of 8e-06 in 251344 control chromosomes. c.1970delG has been observed in individual(s) affected with Breast Cancer (Ofverholm_2023). To our knowledge, no experimental evidence demonstrating an impact on protein function has been reported. The following publication have been ascertained in the context of this evaluation (PMID: 37563628). ClinVar contains an entry for this variant (Variation ID: 461039). Based on the evidence outlined above, the variant was classified as pathogenic.

Color Diagnostics, LLC DBA Color Health
Classification: Pathogenic for Hereditary cancer-predisposing syndrome. Last evaluated: 2024-11-25. Review status: criteria provided, single submitter. Criteria: ACMG Guidelines, 2015. Collection method: clinical testing. Allele origin: germline.
Comment: This variant deletes 1 nucleotide in exon 14 of the BRIP1 gene, creating a frameshift and premature translation stop signal. This variant is expected to result in an absent or non-functional protein product. To our knowledge, this variant has not been reported in individuals affected with hereditary cancer in the literature. This variant has been identified in 2/251344 chromosomes in the general population by the Genome Aggregation Database (gnomAD). Loss of BRIP1 function is a known mechanism of disease. Based on the available evidence, this variant is classified as Pathogenic.

Genetic Services Laboratory, University of Chicago
Classification: Likely pathogenic. Last evaluated: 2024-11-13. Review status: criteria provided, single submitter. Criteria: ACMG Guidelines, 2015. Collection method: clinical testing. Allele origin: germline. Affected: yes.
Comment: DNA sequence analysis of the BRIP1 gene demonstrated a single base pair deletion in exon 14, c.1970del. This pathogenic sequence change results in an amino acid frameshift and creates a premature stop codon XX amino acids downstream of the change, p.Gly657Valfs*31. This pathogenic sequence change is predicted to result in an abnormal transcript, which may be degraded, or may lead to the production of a truncated BRIP1 protein with potentially abnormal function. This sequence change has been described in the gnomAD database with a frequency of 0.0004% in the global population (dbSNP rs760782298). This pathogenic sequence change has previously been described in an individual with medulloblastoma (PMID: 34308104). Loss-of-function variants in BRIP1 are known to be pathogenic (PMID: 16116423, 17033622, 21964575). These collective evidences indicate that this sequence change is likely pathogenic, however functional studies have not been performed to prove this conclusively.

Myriad Genetics, Inc.
Classification: Pathogenic for Familial cancer of breast. Last evaluated: 2023-06-05. Review status: criteria provided, single submitter. Criteria: Myriad Autosomal Dominant, Autosomal Recessive and X-Linked Classification Criteria (2023). Collection method: clinical testing. Allele origin: unknown.
Comment: This variant is considered pathogenic. This variant creates a frameshift predicted to result in premature protein truncation.

Baylor Genetics
Classification: Likely pathogenic for Familial cancer of breast. Last evaluated: 2022-10-05. Review status: criteria provided, single submitter. Criteria: ACMG Guidelines, 2015. Collection method: clinical testing. Allele origin: unknown.

Blueprint Genetics
Classification: Likely pathogenic for BRIP1-related disorders. Last evaluated: 2021-04-12. Review status: criteria provided, single submitter. Criteria: ACMG Guidelines, 2015. Collection method: clinical testing. Allele origin: germline. Affected: yes. Observed: 1 variant allele.

GeneDx
Classification: Likely pathogenic. Last evaluated: 2020-02-24. Review status: criteria provided, single submitter. Criteria: GeneDx Variant Classification Process June 2021. Collection method: clinical testing. Allele origin: germline. Affected: yes.
Comment: Frameshift variant predicted to result in protein truncation or nonsense mediated decay in a gene for which loss-of-function is a known mechanism of disease; Not observed at a significant frequency in large population cohorts (Lek 2016); Observed in an individual with rectal cancer (Yurgelun 2017); This variant is associated with the following publications: (PMID: 29368626, 28135145)

Juno Genomics, Hangzhou Juno Genomics, Inc
Classification: Likely pathogenic for Familial cancer of breast; Fanconi anemia complementation group J. Review status: criteria provided, single submitter. Criteria: ACMG Guidelines, 2015. Collection method: clinical testing. Allele origin: germline.
Comment: Null variant in a gene where loss of function (LOF) is a known mechanism of disease.;Absent from controls (or at extremely low frequency if recessive) in Genome Aggregation Database.

BRCAlab, Lund University
Classification: Pathogenic for Ovarian cancer. Last evaluated: 2022-08-26. Review status: no assertion criteria provided. Collection method: clinical testing. Allele origin: germline. Affected: yes. Not counted in ClinVar's aggregate classification.

Literature cited by the submitters: PubMed 16116423 (cited by Labcorp Genetics (formerly Invitae), Labcorp); PubMed 17033622 (cited by Labcorp Genetics (formerly Invitae), Labcorp); PubMed 21964575 (cited by Labcorp Genetics (formerly Invitae), Labcorp); PubMed 37563628 (cited by Women's Health and Genetics/Laboratory Corporation of America, LabCorp).

NM_032043.3(BRIP1):c.1970del (p.Gly657fs)

Gene: BRIP1 (BRCA1 interacting DNA helicase 1; minus strand). Cytogenetic location: 17q23.2.
Variant type: Deletion.
Coding change: c.1970del on transcript NM_032043.3 (MANE Select); coding-DNA position 1970, one base deleted (G; older notation c.1970delG).
Protein change: p.Gly657fs; shifts the reading frame from glycine 657.
Molecular consequence: frameshift variant.
Genome position (GRCh38, 1-based): chr17:61,776,528, C deleted on the plus strand (G on the coding strand, the reverse complement: BRIP1 is on the minus strand); the first of 3 consecutive C bases (chr17:61,776,528-61,776,530); deleting any one gives the same sequence. VCF-style (leftmost placement, unchanged base first): chr17-61776527-AC-A. GRCh37 (hg19) VCF-style: chr17-59853888-AC-A.
Other names: c.1970del (NM_032043.2); c.1970delG (NM_032043.3, NM_032043.2); short protein forms G657fs.
Identifiers: ClinVar variation 461039 (VCV000461039.47), dbSNP rs760782298, ClinGen allele CA8690610.